The following is an entry in ClinVar:

ClinVar aggregate classification (germline): Uncertain significance (1 of 4 stars; one submission).

Submission:

Labcorp Genetics (formerly Invitae), Labcorp
Classification: Uncertain significance. Last evaluated: 2024-05-28. Review status: criteria provided, single submitter. Criteria: Invitae Variant Classification Sherloc (09022015). Collection method: clinical testing. Allele origin: germline.
Comment: This sequence change replaces glycine, which is neutral and non-polar, with alanine, which is neutral and non-polar, at codon 1919 of the NBEA protein (p.Gly1919Ala). This variant is not present in population databases (gnomAD no frequency). This variant has not been reported in the literature in individuals affected with NBEA-related conditions. Advanced modeling of protein sequence and biophysical properties (such as structural, functional, and spatial information, amino acid conservation, physicochemical variation, residue mobility, and thermodynamic stability) performed at Invitae indicates that this missense variant is expected to disrupt NBEA protein function with a positive predictive value of 80%. In summary, the available evidence is currently insufficient to determine the role of this variant in disease. Therefore, it has been classified as a Variant of Uncertain Significance.

NM_001385012.1(NBEA):c.5756G>C (p.Gly1919Ala)

Gene: NBEA (neurobeachin; plus strand). Cytogenetic location: 13q13.3.
Variant type: single nucleotide variant.
Coding change: c.5756G>C on transcript NM_001385012.1 (MANE Select); coding-DNA position 5756, G replaced by C.
Protein change: p.Gly1919Ala; replaces glycine 1919 with alanine.
Molecular consequence: missense variant.
Genome position (GRCh38, 1-based): chr13:35,232,599, G>C. VCF-style: chr13-35232599-G-C. GRCh37 (hg19) VCF-style: chr13-35806736-G-C.
Other names: c.5747G>C, p.Gly1916Ala (NM_001379245.1); c.5756G>C, p.Gly1919Ala (NM_015678.5); short protein forms G1916A, G1919A.
Identifiers: ClinVar variation 2767549 (VCV002767549.3), dbSNP rs2504611898, ClinGen allele CA387840812.
Genomic context (GRCh38, chr13:35,232,599, plus strand): 5'-TTCGTGAAATTTTTGTAGACTTTGCCCCATTCCTATCTCGTACACTTCTTGGCAGTCATG[G>C]ACAAGAGCTATTGATAGAAGGTATGATTTCTCTATTATAATTATTTTAGTTTCCTATAAT-3'
Protein context (NP_001371941.1, residues 1909-1929): FLSRTLLGSH[Gly1919Ala]QELLIEGLVC